The following is an entry in ClinVar:

NM_003742.4(ABCB11):c.3129_3130delinsT (p.Lys1043fs)

Gene: ABCB11 (ATP binding cassette subfamily B member 11; minus strand). Cytogenetic location: 2q31.1.
Variant type: Indel.
Coding change: c.3129_3130delinsT on transcript NM_003742.4 (MANE Select); coding-DNA positions 3129 to 3130, AG replaced by T.
Protein change: p.Lys1043fs; shifts the reading frame from lysine 1043.
Molecular consequence: frameshift variant.
Genome position (GRCh38, 1-based): chr2:168,932,460-168,932,461, CT replaced by A on the plus strand (AG replaced by T on the coding strand, the reverse complement: ABCB11 is on the minus strand). VCF-style: chr2-168932460-CT-A. GRCh37 (hg19) VCF-style: chr2-169788970-CT-A.
Other names: short protein forms K1043fs.
Identifiers: ClinVar variation 2687823 (VCV002687823.2), dbSNP rs2545256087, ClinGen allele CA2697551251.

ClinVar aggregate classification (germline): Pathogenic. Review status: criteria provided, multiple submitters, no conflicts (2 of 4 stars). 2 submissions from 2 submitters: Pathogenic (2). Last evaluated 2026-04-14.

Conditions:
Familial intrahepatic cholestasis. Identifiers: Orphanet 284385, MedGen CN296401, MONDO:0017290.
Progressive familial intrahepatic cholestasis type 2. Identifiers: Orphanet 79304, MedGen C3489789, MONDO:0011156, OMIM 601847.

Submissions (2):

Genomenon, Inc
Classification: Pathogenic for Familial intrahepatic cholestasis. Last evaluated: 2026-04-14. Review status: criteria provided, single submitter. Criteria: Genomenon Sequence Variant Interpretation Standards - Updated. Collection method: curation. Allele origin: germline. Affected: yes.
Comment: ABCB11 p.Lys1043AsnfsTer54 (c.3129_3130delinsT) is a frameshift variant that results in the production of a truncated protein which is predicted to undergo nonsense-mediated mRNA decay. This variant has been observed in at least one proband with an ABCB11-related disorder (PMID:37697751). It is absent or not present at a significant frequency in gnomAD. In conclusion, we classify ABCB11 p.Lys1043AsnfsTer54 (c.3129_3130delinsT) as a pathogenic variant.

Rolfs Rare Disease Consulting, Rolfs Consulting Und Verwaltungs GmbH
Classification: Pathogenic for Progressive familial intrahepatic cholestasis type 2. Last evaluated: 2020-01-01. Review status: criteria provided, single submitter. Criteria: ACMG Guidelines, 2015. Collection method: clinical testing. Allele origin: germline. Affected: yes.

Literature cited by the submitters: PubMed 37697751 (cited by Genomenon, Inc).